The following is an entry in ClinVar:

NM_020433.5(JPH2):c.1149G>T (p.Lys383Asn)

Gene: JPH2 (junctophilin 2; minus strand). Cytogenetic location: 20q13.12.
Variant type: single nucleotide variant.
Coding change: c.1149G>T on transcript NM_020433.5 (MANE Select); coding-DNA position 1149, G replaced by T.
Protein change: p.Lys383Asn; replaces lysine 383 with asparagine.
Molecular consequence: missense variant.
Genome position (GRCh38, 1-based): chr20:44,159,638, C>A on the plus strand (G>T on the coding strand, the complement: JPH2 is on the minus strand). VCF-style: chr20-44159638-C-A. GRCh37 (hg19) VCF-style: chr20-42788278-C-A.
Other names: short protein forms K383N.
Identifiers: ClinVar variation 1188636 (VCV001188636.7), dbSNP rs754243118, ClinGen allele CA9868735.

ClinVar aggregate classification (germline): Uncertain significance. Review status: criteria provided, multiple submitters, no conflicts (2 of 4 stars). 4 submissions from 4 submitters: Uncertain significance (4). Last evaluated 2025-12-21.

Conditions:
Hypertrophic cardiomyopathy. Also called: HYPERTROPHIC MYOCARDIOPATHY. Identifiers: Orphanet 217569, MedGen C0007194, MeSH D002312, MONDO:0005045, HP:0001639.
Cardiovascular phenotype. Identifiers: MedGen CN230736.

Allele frequency attached by ClinVar (database versions not stated): gnomAD 0.00004.
gnomAD v4.1: 27 of 1,605,194 alleles (0.0017%); highest among the groups gnomAD compares: Non-Finnish European, 0.00051%; no homozygotes.

Submissions (4):

Labcorp Genetics (formerly Invitae), Labcorp
Classification: Uncertain significance for Hypertrophic cardiomyopathy. Last evaluated: 2025-12-21. Review status: criteria provided, single submitter. Criteria: Invitae Variant Classification Sherloc (09022015). Collection method: clinical testing. Allele origin: germline.
Comment: This sequence change replaces lysine, which is basic and polar, with asparagine, which is neutral and polar, at codon 383 of the JPH2 protein (p.Lys383Asn). This variant is present in population databases (rs754243118, gnomAD 0.06%). This variant has not been reported in the literature in individuals affected with JPH2-related conditions. ClinVar contains an entry for this variant (Variation ID: 1188636). An algorithm developed to predict the effect of missense changes on protein structure and function (PolyPhen-2) suggests that this variant is likely to be disruptive. In summary, the available evidence is currently insufficient to determine the role of this variant in disease. Therefore, it has been classified as a Variant of Uncertain Significance.

Revvity Omics, Revvity
Classification: Uncertain significance. Last evaluated: 2023-02-07. Review status: criteria provided, single submitter. Criteria: ACMG Guidelines, 2015. Collection method: clinical testing. Allele origin: germline.

Ambry Genetics
Classification: Uncertain significance for Cardiovascular phenotype. Last evaluated: 2022-02-02. Review status: criteria provided, single submitter. Criteria: Ambry Variant Classification Scheme 2023. Collection method: clinical testing. Allele origin: germline.
Comment: The p.K383N variant (also known as c.1149G>T), located in coding exon 2 of the JPH2 gene, results from a G to T substitution at nucleotide position 1149. The lysine at codon 383 is replaced by asparagine, an amino acid with similar properties. This amino acid position is conserved. In addition, this alteration is predicted to be tolerated by in silico analysis. Since supporting evidence is limited at this time, the clinical significance of this alteration remains unclear.

GeneDx
Classification: Uncertain significance. Last evaluated: 2018-12-31. Review status: criteria provided, single submitter. Criteria: GeneDx Variant Classification Process June 2021. Collection method: clinical testing. Allele origin: germline. Affected: yes.
Comment: Has not been previously published as pathogenic or benign to our knowledge; In silico analysis, which includes protein predictors and evolutionary conservation, supports a deleterious effect